The following is an entry in ClinVar:

ClinVar aggregate classification (germline): Uncertain significance (1 of 4 stars; one submission).

Submission:

GeneDx
Classification: Uncertain significance. Last evaluated: 2024-08-22. Review status: criteria provided, single submitter. Criteria: GeneDx Variant Classification Process June 2021. Collection method: clinical testing. Allele origin: germline. Affected: yes.
Comment: Has not been previously published as pathogenic or benign to our knowledge; Not observed at significant frequency in large population cohorts (gnomAD); In silico analysis supports that this missense variant has a deleterious effect on protein structure/function; Variants in candidate genes are classified as variants of uncertain significance in accordance with ACMG guidelines (PMID: 25741868)

NM_001801.3(CDO1):c.427G>A (p.Glu143Lys)

Gene: CDO1 (cysteine dioxygenase type 1; minus strand). Cytogenetic location: 5q22.3.
Variant type: single nucleotide variant.
Coding change: c.427G>A on transcript NM_001801.3 (MANE Select); coding-DNA position 427, G replaced by A.
Protein change: p.Glu143Lys; replaces glutamic acid 143 with lysine.
Molecular consequence: missense variant. On other transcripts: non-coding transcript variant (4).
Genome position (GRCh38, 1-based): chr5:115,806,495, C>T on the plus strand (G>A on the coding strand, the complement: CDO1 is on the minus strand). VCF-style: chr5-115806495-C-T. GRCh37 (hg19) VCF-style: chr5-115142192-C-T.
Other names: c.484G>A, p.Glu162Lys (NM_001323565.2); c.424G>A, p.Glu142Lys (NM_001323566.2); c.211G>A, p.Glu71Lys (NM_001323567.2); short protein forms E142K, E143K, E162K, E71K.
Identifiers: ClinVar variation 3362254 (VCV003362254.1).